The following is an entry in ClinVar:

ClinVar aggregate classification (germline): Uncertain significance (1 of 4 stars; one submission).

Allele frequency attached by ClinVar (database versions not stated): gnomAD exomes below 0.00001.
gnomAD v4.1: 4 of 1,612,900 alleles (0.00025%); highest among the groups gnomAD compares: Non-Finnish European, 0.00034%; no homozygotes.

Submission:

Labcorp Genetics (formerly Invitae), Labcorp
Classification: Uncertain significance. Last evaluated: 2025-06-25. Review status: criteria provided, single submitter. Criteria: Invitae Variant Classification Sherloc (09022015). Collection method: clinical testing. Allele origin: germline.
Comment: This sequence change falls in intron 13 of the ALPK1 gene. It does not directly change the encoded amino acid sequence of the ALPK1 protein. It affects a nucleotide within the consensus splice site. This variant is not present in population databases (gnomAD no frequency). This variant has not been reported in the literature in individuals affected with ALPK1-related conditions. ClinVar contains an entry for this variant (Variation ID: 2719017). Variants that disrupt the consensus splice site are a relatively common cause of aberrant splicing (PMID: 17576681, 9536098). Algorithms developed to predict the effect of sequence changes on RNA splicing suggest that this variant is not likely to affect RNA splicing. In summary, the available evidence is currently insufficient to determine the role of this variant in disease. Therefore, it has been classified as a Variant of Uncertain Significance.

Literature cited by the submitters: PubMed 17576681; PubMed 9536098.

NM_025144.4(ALPK1):c.3351+3A>G

Gene: ALPK1 (alpha kinase 1; plus strand). Cytogenetic location: 4q25.
Variant type: single nucleotide variant.
Coding change: c.3351+3A>G on transcript NM_025144.4 (MANE Select); 3 bases into the intron after coding-DNA position 3351, A replaced by G.
Molecular consequence: intron variant.
Genome position (GRCh38, 1-based): chr4:112,438,649, A>G. VCF-style: chr4-112438649-A-G. GRCh37 (hg19) VCF-style: chr4-113359805-A-G.
Other names: c.3351+3A>G (NM_001102406.2); c.3117+3A>G (NM_001253884.2).
Identifiers: ClinVar variation 2719017 (VCV002719017.3), dbSNP rs2476516747, ClinGen allele CA2671796441.